The following is an entry in ClinVar:

ClinVar aggregate classification (germline): Likely benign. Review status: criteria provided, single submitter (1 of 4 stars). 2 submissions from 2 submitters: Likely benign (1). 1 of the submissions does not count toward it. Last evaluated 2026-01-05.

Conditions:
AIPL1-related disorder. Also called: AIPL1-related condition; AIPL1-related disorders. Identifiers: MedGen CN239169.
Leber congenital amaurosis 4 (LCA4). Identifiers: MedGen C1858386, MONDO:0011458, OMIM 604393.

Submissions (2):

Labcorp Genetics (formerly Invitae), Labcorp
Classification: Likely benign for Leber congenital amaurosis 4. Last evaluated: 2026-01-05. Review status: criteria provided, single submitter. Criteria: Invitae Variant Classification Sherloc (09022015). Collection method: clinical testing. Allele origin: germline.

PreventionGenetics, part of Exact Sciences
Classification: Likely benign for AIPL1-related condition. Last evaluated: 2020-01-28. Review status: no assertion criteria provided. Collection method: clinical testing. Allele origin: germline. Not counted in ClinVar's aggregate classification.
Comment: This variant is classified as likely benign based on ACMG/AMP sequence variant interpretation guidelines (Richards et al. 2015 PMID: 25741868, with internal and published modifications).

NM_014336.5(AIPL1):c.582C>T (p.Tyr194=)

Gene: AIPL1 (AIP like 1 HSP90 co-chaperone; minus strand). Cytogenetic location: 17p13.2.
Variant type: single nucleotide variant.
Coding change: c.582C>T on transcript NM_014336.5 (MANE Select); coding-DNA position 582, C replaced by T.
Protein change: p.Tyr194=; no amino-acid change (tyrosine 194 retained).
Molecular consequence: synonymous variant.
Genome position (GRCh38, 1-based): chr17:6,426,941, G>A on the plus strand (C>T on the coding strand, the complement: AIPL1 is on the minus strand). VCF-style: chr17-6426941-G-A. GRCh37 (hg19) VCF-style: chr17-6330261-G-A.
Other names: c.393C>T, p.Tyr131= (NM_001033054.3); c.402C>T, p.Tyr134= (NM_001033055.3); c.546C>T, p.Tyr182= (NM_001285399.3); c.516C>T, p.Tyr172= (NM_001285400.3); c.582C>T, p.Tyr194= (NM_001285401.3); c.465C>T, p.Tyr155= (NM_001285402.2); c.558C>T, p.Tyr186= (NM_001285403.4); c.582C>T (NM_014336.4).
Identifiers: ClinVar variation 2825105 (VCV002825105.5), dbSNP rs368845643, ClinGen allele CA497687621.